The following is an entry in ClinVar:

NM_024675.4(PALB2):c.1684+42_1684+43insATG

Gene: PALB2 (partner and localizer of BRCA2; minus strand). Cytogenetic location: 16p12.2.
Variant type: Insertion.
Coding change: c.1684+42_1684+43insATG on transcript NM_024675.4 (MANE Select); bases 42 to 43 of the intron after coding-DNA position 1684, ATG inserted.
Molecular consequence: intron variant.
Genome position: GRCh38 VCF-style: chr16-23634819-T-TTCA. GRCh37 (hg19) VCF-style: chr16-23646140-T-TTCA.
Other names: c.1684+42_1684+43insTGA (NM_024675.3).
Identifiers: ClinVar variation 126619 (VCV000126619.3), dbSNP rs180177106, ClinGen allele CA269509.

ClinVar aggregate classification (germline): Likely benign (0 of 4 stars; one submission).

Conditions:
Familial cancer of breast. Also called: BREAST CANCER, FAMILIAL; hereditary breast carcinoma; Hereditary breast cancer. Identifiers: Orphanet 227535, MedGen C0346153, MONDO:0016419, OMIM 114480. Disease mechanism: loss of function.

Submission:

Leiden Open Variation Database
Classification: Likely benign for Familial cancer of breast. Last evaluated: 2019-05-13. Review status: no assertion criteria provided. Collection method: curation. Allele origin: germline. Affected: yes.
Comment: Curators: Marc Tischkowitz, Arleen D. Auerbach. Submitter to LOVD: Marc Tischkowitz.

Literature cited by the submitters: PubMed 17420451; PubMed 19635604; PubMed 22692731; PubMed 23824750; PubMed 24556926.